The following is an entry in ClinVar:

NM_004656.4(BAP1):c.416A>C (p.Lys139Thr)

Gene: BAP1 (BRCA1 associated deubiquitinase 1; minus strand). Cytogenetic location: 3p21.1.
Variant type: single nucleotide variant.
Coding change: c.416A>C on transcript NM_004656.4 (MANE Select); coding-DNA position 416, A replaced by C.
Protein change: p.Lys139Thr; replaces lysine 139 with threonine.
Molecular consequence: missense variant.
Genome position (GRCh38, 1-based): chr3:52,407,420, T>G on the plus strand (A>C on the coding strand, the complement: BAP1 is on the minus strand). VCF-style: chr3-52407420-T-G. GRCh37 (hg19) VCF-style: chr3-52441436-T-G.
Other names: c.416A>C, p.Lys139Thr (NM_001410772.1); short protein forms K139T.
Identifiers: ClinVar variation 3819297 (VCV003819297.1).

ClinVar aggregate classification (germline): Uncertain significance (1 of 4 stars; one submission).

Conditions:
Hereditary cancer-predisposing syndrome. Also called: Hereditary neoplastic syndrome; Neoplastic Syndromes, Hereditary; Tumor predisposition; Hereditary Cancer Syndrome. Identifiers: Orphanet 140162, MedGen C0027672, MeSH D009386, MONDO:0015356.

Submission:

Ambry Genetics
Classification: Uncertain significance for Hereditary cancer-predisposing syndrome. Last evaluated: 2025-02-15. Review status: criteria provided, single submitter. Criteria: Ambry Variant Classification Scheme 2023. Collection method: clinical testing. Allele origin: germline.
Comment: The p.K139T variant (also known as c.416A>C), located in coding exon 6 of the BAP1 gene, results from an A to C substitution at nucleotide position 416. The lysine at codon 139 is replaced by threonine, an amino acid with similar properties. This amino acid position is conserved. In addition, this alteration is predicted to be tolerated by in silico analysis. Based on the available evidence, the clinical significance of this variant remains unclear.